The following is an entry in ClinVar:

ClinVar aggregate classification (germline): Likely pathogenic (1 of 4 stars; one submission).

Conditions:
Hereditary spastic paraplegia 4. Also called: Spastic paraplegia 4, autosomal dominant; Spastic Paraplegia 4; Familial spastic paraplegia autosomal dominant 2. Identifiers: Orphanet 100985, MedGen C1866855, MONDO:0008438, OMIM 182601.

Submission:

Labcorp Genetics (formerly Invitae), Labcorp
Classification: Likely pathogenic for Hereditary spastic paraplegia 4. Last evaluated: 2021-08-12. Review status: criteria provided, single submitter. Criteria: Invitae Variant Classification Sherloc (09022015). Collection method: clinical testing. Allele origin: germline.
Comment: This variant results in a copy number gain of the genomic region encompassing exon(s) 5-7 of the SPAST gene. While the exact position of this variant cannot be determined from the data, sub-genic copy number gains are generally in tandem (PMID: 25640679). This variant is predicted to be out-of-frame, and may result in an absent or disrupted protein product. Loss-of-function variants in SPAST are known to be pathogenic (PMID: 20932283). This variant has not been reported in the literature in individuals affected with SPAST-related conditions. In summary, the currently available evidence indicates that the variant is pathogenic, but additional data are needed to prove that conclusively. Therefore, this variant has been classified as Likely Pathogenic.

Literature cited by the submitters: PubMed 25640679; PubMed 20932283.

NC_000002.12:g.(?_32114628)_(32116222_?)dup

Gene: SPAST (spastin; plus strand). Cytogenetic location: 2p22.3.
Variant type: Duplication.
Identifiers: ClinVar variation 831151 (VCV000831151.2).